The following is an entry in ClinVar:

ClinVar aggregate classification (germline): Uncertain significance. Review status: criteria provided, multiple submitters, no conflicts (2 of 4 stars). 2 submissions from 2 submitters: Uncertain significance (2). Last evaluated 2024-12-26.

Conditions:
Inborn genetic diseases. Identifiers: MedGen C0950123, MeSH D030342.

gnomAD v4.1: 38 of 1,584,718 alleles (0.0024%); highest among the groups gnomAD compares: South Asian, 0.041%; no homozygotes.

Submissions (2):

GeneDx
Classification: Uncertain significance. Last evaluated: 2024-12-26. Review status: criteria provided, single submitter. Criteria: GeneDx Variant Classification Process June 2021. Collection method: clinical testing. Allele origin: germline. Affected: yes.
Comment: In silico analysis supports that this missense variant has a deleterious effect on protein structure/function; Has not been previously published as pathogenic or benign to our knowledge

Ambry Genetics
Classification: Uncertain significance for Inborn genetic diseases. Last evaluated: 2024-11-20. Review status: criteria provided, single submitter. Criteria: Ambry Variant Classification Scheme 2023. Collection method: clinical testing. Allele origin: germline.

NM_001379081.2(FREM1):c.2164A>C (p.Thr722Pro)

Gene: FREM1 (FRAS1 related extracellular matrix 1; minus strand). Cytogenetic location: 9p22.3.
Variant type: single nucleotide variant.
Coding change: c.2164A>C on transcript NM_001379081.2 (MANE Select); coding-DNA position 2164, A replaced by C.
Protein change: p.Thr722Pro; replaces threonine 722 with proline.
Molecular consequence: missense variant. On other transcripts: non-coding transcript variant (2).
Genome position (GRCh38, 1-based): chr9:14,824,030, T>G on the plus strand (A>C on the coding strand, the complement: FREM1 is on the minus strand). VCF-style: chr9-14824030-T-G. GRCh37 (hg19) VCF-style: chr9-14824028-T-G.
Other names: c.2164A>C, p.Thr722Pro (NM_144966.7); short protein forms T722P.
Identifiers: ClinVar variation 3517061 (VCV003517061.2).